The following is an entry in ClinVar:

ClinVar aggregate classification (germline): Conflicting classifications of pathogenicity. Review status: criteria provided, conflicting classifications (1 of 4 stars). 7 submissions from 7 submitters: Uncertain significance (1); Benign (1); Likely benign (5). Last evaluated 2026-06-01.

Conditions:
COG7-related disorder. Also called: COG7-related condition.
COG7 congenital disorder of glycosylation (CDG2E). Also called: CONGENITAL DISORDER OF GLYCOSYLATION, TYPE IIe; CDG IIe. Identifiers: Orphanet 79333, MedGen C2931010, MONDO:0012118, OMIM 608779.

Allele frequency attached by ClinVar (database versions not stated): 1000 Genomes Project 30x 0.00031; 1000 Genomes Project 0.00040; TOPMed 0.00122; gnomAD 0.00142 and 0.00150; ESP Exome Variant Server 0.00146; ExAC 0.00172.
gnomAD v4.1: 2,688 of 1,614,156 alleles (0.17%); highest among the groups gnomAD compares: Non-Finnish European, 0.2%; 6 homozygotes.

Submissions (7):

CeGaT Center for Human Genetics Tuebingen
Classification: Likely benign. Last evaluated: 2026-06-01. Review status: criteria provided, single submitter. Criteria: CeGaT Center For Human Genetics Tuebingen Variant Classification Criteria Version 2. Collection method: clinical testing. Allele origin: germline. Affected: yes. Observed: 11 variant alleles.
Comment: COG7: BP4, BP7

Labcorp Genetics (formerly Invitae), Labcorp
Classification: Benign for COG7 congenital disorder of glycosylation. Last evaluated: 2026-02-01. Review status: criteria provided, single submitter. Criteria: Invitae Variant Classification Sherloc (09022015). Collection method: clinical testing. Allele origin: germline.

PreventionGenetics, part of Exact Sciences
Classification: Likely benign for COG7-related condition. Last evaluated: 2025-12-18. Review status: criteria provided, single submitter. Criteria: ACMG Guidelines, 2015. Collection method: clinical testing. Allele origin: germline.
Comment: This variant is classified as likely benign based on ACMG/AMP sequence variant interpretation guidelines (Richards et al. 2015 PMID: 25741868, with internal and published modifications).

Blueprint Genetics
Classification: Likely benign. Last evaluated: 2024-11-22. Review status: criteria provided, single submitter. Criteria: ACMG Guidelines, 2015. Collection method: clinical testing. Allele origin: germline.

Illumina Laboratory Services, Illumina
Classification: Uncertain significance for COG7 congenital disorder of glycosylation. Last evaluated: 2018-01-12. Review status: criteria provided, single submitter. Criteria: ICSL Variant Classification Criteria 13 December 2019. Collection method: clinical testing. Allele origin: germline.

GeneDx
Classification: Likely benign. Last evaluated: 2016-11-23. Review status: criteria provided, single submitter. Criteria: GeneDx Variant Classification (06012015). Collection method: clinical testing. Allele origin: germline. Affected: yes.
Comment: This variant is considered likely benign or benign based on one or more of the following criteria: it is a conservative change, it occurs at a poorly conserved position in the protein, it is predicted to be benign by multiple in silico algorithms, and/or has population frequency not consistent with disease.

Eurofins Ntd Llc (ga)
Classification: Likely benign. Last evaluated: 2014-08-29. Review status: criteria provided, single submitter. Criteria: EGL Classification Definitions 2015. Collection method: clinical testing. Allele origin: germline. Observed: 1 variant allele, 1 heterozygote.

NM_153603.4(COG7):c.2283C>T (p.Thr761=)

Gene: COG7 (component of oligomeric golgi complex 7; minus strand). Cytogenetic location: 16p12.2.
Variant type: single nucleotide variant.
Coding change: c.2283C>T on transcript NM_153603.4 (MANE Select); coding-DNA position 2283, C replaced by T.
Protein change: p.Thr761=; no amino-acid change (threonine 761 retained).
Molecular consequence: synonymous variant.
Genome position (GRCh38, 1-based): chr16:23,388,950, G>A on the plus strand (C>T on the coding strand, the complement: COG7 is on the minus strand). VCF-style: chr16-23388950-G-A. GRCh37 (hg19) VCF-style: chr16-23400271-G-A.
Identifiers: ClinVar variation 194800 (VCV000194800.55), dbSNP rs144814374, ClinGen allele CA201364.
Genomic context (GRCh38, chr16:23,388,950, plus strand): 5'-GCTCTCTTGGTGGTCCGGTGTGTGGTGGGGTCAGTAATTCACACTCCGCATGGTGGCCAC[G>A]GTGGTGGCCAGGCGACGGGGCAGGCCTTTGCTGACCTGTCTATAGTCCTCAGGCCTGGTC-3'
Protein context (NP_705831.1, residues 751-770): SKGLPRRLAT[Thr761=]VATMRSVNY